The following is an entry in ClinVar:

ClinVar aggregate classification (germline): Uncertain significance (1 of 4 stars; one submission).

Conditions:
Werner syndrome (WRN). Identifiers: Orphanet 902, MedGen C0043119, MONDO:0010196, OMIM 277700.

Allele frequency attached by ClinVar (database versions not stated): gnomAD 0.00001; TOPMed 0.00001; ExAC 0.00002.
gnomAD v4.1: 5 of 1,613,646 alleles (0.00031%); highest among the groups gnomAD compares: Admixed American, 0.0083%; no homozygotes.

Submission:

Labcorp Genetics (formerly Invitae), Labcorp
Classification: Uncertain significance for Werner syndrome. Last evaluated: 2023-10-24. Review status: criteria provided, single submitter. Criteria: Invitae Variant Classification Sherloc (09022015). Collection method: clinical testing. Allele origin: germline.
Comment: This sequence change replaces threonine, which is neutral and polar, with lysine, which is basic and polar, at codon 172 of the WRN protein (p.Thr172Lys). This variant is present in population databases (rs777437332, gnomAD 0.01%). This variant has not been reported in the literature in individuals affected with WRN-related conditions. ClinVar contains an entry for this variant (Variation ID: 854058). Algorithms developed to predict the effect of missense changes on protein structure and function output the following: SIFT: "Not Available"; PolyPhen-2: "Benign"; Align-GVGD: "Not Available". The lysine amino acid residue is found in multiple mammalian species, which suggests that this missense change does not adversely affect protein function. In summary, the available evidence is currently insufficient to determine the role of this variant in disease. Therefore, it has been classified as a Variant of Uncertain Significance.

NM_000553.6(WRN):c.515C>A (p.Thr172Lys)

Gene: WRN (WRN RecQ like helicase; plus strand). Cytogenetic location: 8p12.
Variant type: single nucleotide variant.
Coding change: c.515C>A on transcript NM_000553.6 (MANE Select); coding-DNA position 515, C replaced by A.
Protein change: p.Thr172Lys; replaces threonine 172 with lysine.
Molecular consequence: missense variant.
Genome position (GRCh38, 1-based): chr8:31,067,043, C>A. VCF-style: chr8-31067043-C-A. GRCh37 (hg19) VCF-style: chr8-30924559-C-A.
Other names: short protein forms T172K.
Identifiers: ClinVar variation 854058 (VCV000854058.6), dbSNP rs777437332, ClinGen allele CA4704096.